The following is an entry in ClinVar:

ClinVar aggregate classification (germline): Uncertain significance (1 of 4 stars; one submission).

gnomAD v4.1: 2 of 1,537,578 alleles (0.00013%); highest among the groups gnomAD compares: African/African-American, 0.0027%; no homozygotes.

Submission:

Labcorp Genetics (formerly Invitae), Labcorp
Classification: Uncertain significance. Last evaluated: 2025-06-29. Review status: criteria provided, single submitter. Criteria: Invitae Variant Classification Sherloc (09022015). Collection method: clinical testing. Allele origin: germline.
Comment: This sequence change replaces leucine, which is neutral and non-polar, with methionine, which is neutral and non-polar, at codon 543 of the FUK protein (p.Leu543Met). This variant is present in population databases (no rsID available, gnomAD 0.01%). This variant has not been reported in the literature in individuals affected with FUK-related conditions. An algorithm developed to predict the effect of missense changes on protein structure and function (PolyPhen-2) suggests that this variant is likely to be tolerated. In summary, the available evidence is currently insufficient to determine the role of this variant in disease. Therefore, it has been classified as a Variant of Uncertain Significance.

NM_145059.3(FCSK):c.1627C>A (p.Leu543Met)

Gene: FCSK (fucose kinase; plus strand). Cytogenetic location: 16q22.1.
Variant type: single nucleotide variant.
Coding change: c.1627C>A on transcript NM_145059.3 (MANE Select); coding-DNA position 1627, C replaced by A.
Protein change: p.Leu543Met; replaces leucine 543 with methionine.
Molecular consequence: missense variant.
Genome position (GRCh38, 1-based): chr16:70,473,203, C>A. VCF-style: chr16-70473203-C-A. GRCh37 (hg19) VCF-style: chr16-70507106-C-A.
Other names: short protein forms L543M.
Identifiers: ClinVar variation 4780790 (VCV004780790.1).
Genomic context (GRCh38, chr16:70,473,203, plus strand): 5'-CGGGCCTCCTGGCGCCTGTCCTGGGAGCAGCTGCAGCCGTGCCTGGATCGGGCTGCCACG[C>A]TGGCCTCTCGCCGGGACCTGTTCTTCCGCCAGGCCCTGCATAAGGCGCGGCACGTGCTGG-3'
Protein context (NP_659496.2, residues 533-553): LQPCLDRAAT[Leu543Met]ASRRDLFFRQ